The following is an entry in ClinVar:

ClinVar aggregate classification (germline): Uncertain significance. Review status: criteria provided, multiple submitters, no conflicts (2 of 4 stars). 2 submissions from 2 submitters: Uncertain significance (2). Last evaluated 2025-09-19.

Conditions:
Hereditary cancer-predisposing syndrome. Also called: Tumor predisposition; Hereditary Cancer Syndrome; Hereditary neoplastic syndrome; Neoplastic Syndromes, Hereditary. Identifiers: Orphanet 140162, MedGen C0027672, MeSH D009386, MONDO:0015356.
Familial cancer of breast. Also called: hereditary breast carcinoma; BREAST CANCER, FAMILIAL; Hereditary breast cancer. Identifiers: Orphanet 227535, MedGen C0346153, MONDO:0016419, OMIM 114480. Disease mechanism: loss of function.

Allele frequency attached by ClinVar (database versions not stated): gnomAD 0.00001.
gnomAD v4.1: 1 of 1,613,460 alleles (0.000062%); highest among the groups gnomAD compares: Non-Finnish European, 0.000085%; no homozygotes.

Submissions (2):

Ambry Genetics
Classification: Uncertain significance for Hereditary cancer-predisposing syndrome. Last evaluated: 2025-09-19. Review status: criteria provided, single submitter. Criteria: Ambry Variant Classification Scheme 2023. Collection method: clinical testing. Allele origin: germline.
Comment: The p.L348V variant (also known as c.1042T>G), located in coding exon 9 of the CHEK2 gene, results from a T to G substitution at nucleotide position 1042. The leucine at codon 348 is replaced by valine, an amino acid with highly similar properties. This amino acid position is conserved. In addition, the in silico prediction for this alteration is inconclusive. Based on the available evidence, the clinical significance of this variant remains unclear.

Labcorp Genetics (formerly Invitae), Labcorp
Classification: Uncertain significance for Familial cancer of breast. Last evaluated: 2021-01-07. Review status: criteria provided, single submitter. Criteria: Invitae Variant Classification Sherloc (09022015). Collection method: clinical testing. Allele origin: germline.
Comment: This variant is not present in population databases (ExAC no frequency). This sequence change replaces leucine with valine at codon 348 of the CHEK2 protein (p.Leu348Val). The leucine residue is highly conserved and there is a small physicochemical difference between leucine and valine. This variant has not been reported in the literature in individuals with CHEK2-related conditions. Algorithms developed to predict the effect of missense changes on protein structure and function are either unavailable or do not agree on the potential impact of this missense change (SIFT: "Deleterious"; PolyPhen-2: "Probably Damaging"; Align-GVGD: "Class C0"). In summary, the available evidence is currently insufficient to determine the role of this variant in disease. Therefore, it has been classified as a Variant of Uncertain Significance.

NM_007194.4(CHEK2):c.1042T>G (p.Leu348Val)

Gene: CHEK2 (checkpoint kinase 2; minus strand). Cytogenetic location: 22q12.1.
Variant type: single nucleotide variant.
Coding change: c.1042T>G on transcript NM_007194.4 (MANE Select); coding-DNA position 1042, T replaced by G.
Protein change: p.Leu348Val; replaces leucine 348 with valine.
Molecular consequence: missense variant. On other transcripts: intron variant (3).
Genome position (GRCh38, 1-based): chr22:28,696,954, A>C on the plus strand (T>G on the coding strand, the complement: CHEK2 is on the minus strand). VCF-style: chr22-28696954-A-C. GRCh37 (hg19) VCF-style: chr22-29092942-A-C.
Other names: c.1171T>G, p.Leu391Val (NM_001005735.3); c.379T>G, p.Leu127Val (NM_001257387.3, NM_001437942.1); c.841T>G, p.Leu281Val (NM_001349956.3); c.1135T>G, p.Leu379Val (NM_001438293.1); c.1009-1081T>G (NM_145862.3); c.1102-1081T>G (NM_001438295.1); c.1138-1081T>G (NM_001438294.1); c.1042T>G (NM_007194.3); short protein forms L348V, L391V, L127V, L281V, L379V.
Identifiers: ClinVar variation 1468599 (VCV001468599.10), dbSNP rs2052611352, ClinGen allele CA411097716.